The following is an entry in ClinVar:

ClinVar aggregate classification (germline): Uncertain significance (1 of 4 stars; one submission).

Allele frequency attached by ClinVar (database versions not stated): gnomAD exomes below 0.00001 and 0.00001; ExAC 0.00001; gnomAD 0.00001 and 0.00002; TOPMed 0.00002; ESP Exome Variant Server 0.00008.
gnomAD v4.1: 8 of 1,609,994 alleles (0.0005%); highest among the groups gnomAD compares: East Asian, 0.0045%; no homozygotes.

Submission:

Labcorp Genetics (formerly Invitae), Labcorp
Classification: Uncertain significance. Last evaluated: 2022-09-27. Review status: criteria provided, single submitter. Criteria: Invitae Variant Classification Sherloc (09022015). Collection method: clinical testing. Allele origin: germline.
Comment: This sequence change falls in intron 13 of the DSG1 gene. It does not directly change the encoded amino acid sequence of the DSG1 protein. This variant is present in population databases (rs369263345, gnomAD 0.01%). This variant has not been reported in the literature in individuals affected with DSG1-related conditions. ClinVar contains an entry for this variant (Variation ID: 1500806). Algorithms developed to predict the effect of sequence changes on RNA splicing suggest that this variant may disrupt the consensus splice site. In summary, the available evidence is currently insufficient to determine the role of this variant in disease. Therefore, it has been classified as a Variant of Uncertain Significance.

NM_001942.4(DSG1):c.1892-10A>G

Genes: DSG1 (desmoglein 1; plus strand), DSG1-AS1 (DSG1 antisense RNA 1; minus strand). Cytogenetic location: 18q12.1.
Variant type: single nucleotide variant.
Coding change: c.1892-10A>G on transcript NM_001942.4 (MANE Select); 10 bases into the intron before coding-DNA position 1892, A replaced by G.
Molecular consequence: intron variant.
Genome position (GRCh38, 1-based): chr18:31,345,980, A>G. VCF-style: chr18-31345980-A-G. GRCh37 (hg19) VCF-style: chr18-28925943-A-G.
Identifiers: ClinVar variation 1500806 (VCV001500806.8), dbSNP rs369263345, ClinGen allele CA8926224.